The following is an entry in ClinVar:

ClinVar aggregate classification (germline): Uncertain significance (1 of 4 stars; one submission).

Conditions:
Neurodevelopmental disorder with behavioral abnormalities, absent speech, and hypotonia. Identifiers: MedGen C5231471, MONDO:0032878, OMIM 618718.

Allele frequency attached by ClinVar (database versions not stated): gnomAD exomes below 0.00001; gnomAD 0.00001.
gnomAD v4.1: 3 of 1,613,616 alleles (0.00019%); highest among the groups gnomAD compares: Non-Finnish European, 0.00025%; no homozygotes.

Submission:

Neuberg Centre For Genomic Medicine, NCGM
Classification: Uncertain significance for Neurodevelopmental disorder with behavioral abnormalities, absent speech, and hypotonia. Review status: criteria provided, single submitter. Criteria: ACMG Guidelines, 2015. Collection method: clinical testing. Allele origin: germline. Inheritance: Autosomal dominant inheritance. Affected: yes.
Comment: The missense variant in c.941A>G (p.Asn314Ser) in PAK1 gene has not been reported previously as a pathogenic variant nor as a benign variant, to our knowledge. The p.Asn314Ser variant is novel (not in any individuals) in gnomAD Exomes and 1000 Genomes. The amino acid Asn at position 314 is changed to a Ser changing protein sequence and it might alter its composition and physico-chemical properties. The variant is predicted to be damaging by both SIFT and PolyPhen2. The residue is conserved across species. The amino acid change p.Asn314Ser in PAK1 is predicted as conserved by GERP++ and PhyloP across 100 vertebrates. For these reasons, this variant has been classified as Uncertain Significance.

NM_002576.5(PAK1):c.941A>G (p.Asn314Ser)

Gene: PAK1 (p21 (RAC1) activated kinase 1; minus strand). Cytogenetic location: 11q13.5.
Variant type: single nucleotide variant.
Coding change: c.941A>G on transcript NM_002576.5 (MANE Select); coding-DNA position 941, A replaced by G.
Protein change: p.Asn314Ser; replaces asparagine 314 with serine.
Molecular consequence: missense variant. On other transcripts: non-coding transcript variant (2), intron variant (1).
Genome position (GRCh38, 1-based): chr11:77,343,876, T>C on the plus strand (A>G on the coding strand, the complement: PAK1 is on the minus strand). VCF-style: chr11-77343876-T-C. GRCh37 (hg19) VCF-style: chr11-77054921-T-C.
Other names: c.941A>G, p.Asn314Ser (NM_001128620.2, NM_001376268.1, NM_001376269.1 and 23 more transcripts); c.962A>G, p.Asn321Ser (NM_001376272.1); c.932A>G, p.Asn311Ser (NM_001376294.1); c.692A>G, p.Asn231Ser (NM_001376301.1); c.647A>G, p.Asn216Ser (NM_001376302.1, NM_001376304.1, NM_001376305.1); c.653A>G, p.Asn218Ser (NM_001376303.1); c.822-3113A>G (NM_001376295.1); short protein forms N231S, N321S, N216S, N218S, N314S, N311S.
Identifiers: ClinVar variation 2585489 (VCV002585489.1), dbSNP rs1944009387, ClinGen allele CA382165313.